The following is an entry in ClinVar:

ClinVar aggregate classification (germline): Benign. Review status: criteria provided, multiple submitters, no conflicts (2 of 4 stars). 2 submissions from 2 submitters: Benign (2). Last evaluated 2018-06-14.

Allele frequency attached by ClinVar (database versions not stated): gnomAD 0.42494 and 0.42659; TOPMed 0.43082; 1000 Genomes Project 0.43271; 1000 Genomes Project 30x 0.43551.
gnomAD v4.1: 64,533 of 152,072 alleles (42%); highest among the groups gnomAD compares: East Asian, 53%; 13,922 homozygotes.

Submissions (2):

GeneDx
Classification: Benign. Last evaluated: 2018-06-14. Review status: criteria provided, single submitter. Criteria: GeneDx Variant Classification (06012015). Collection method: clinical testing. Allele origin: germline. Affected: yes.
Comment: This variant is considered likely benign or benign based on one or more of the following criteria: it is a conservative change, it occurs at a poorly conserved position in the protein, it is predicted to be benign by multiple in silico algorithms, and/or has population frequency not consistent with disease.

Breakthrough Genomics
Classification: Benign. Review status: criteria provided, single submitter. Criteria: ACMG Guidelines, 2015. Collection method: not provided. Allele origin: germline. Inheritance: Autosomal dominant inheritance. Affected: yes.

NM_001040142.2(SCN2A):c.3675+166G>A

Gene: SCN2A (sodium voltage-gated channel alpha subunit 2; plus strand). Cytogenetic location: 2q24.3.
Variant type: single nucleotide variant.
Coding change: c.3675+166G>A on transcript NM_001040142.2 (MANE Select); 166 bases into the intron after coding-DNA position 3675, G replaced by A.
Molecular consequence: intron variant.
Genome position (GRCh38, 1-based): chr2:165,367,537, G>A. VCF-style: chr2-165367537-G-A. GRCh37 (hg19) VCF-style: chr2-166224047-G-A.
Other names: c.3675+166G>A (NM_001040143.2, NM_001371246.1, NM_001371247.1 and 1 more transcripts).
Identifiers: ClinVar variation 669328 (VCV000669328.2), dbSNP rs2304010, ClinGen allele CA11201666.
Genomic context (GRCh38, chr2:165,367,537, plus strand): 5'-GAGAAGAAATATGTGTGACGTGTTTAGCACATATGAGAGGCTTAGTAAATAGCAATTTTT[G>A]TCACTCTGTCTGGAGTAGCCCTCGGGTGGAACCAAACTCAGATCATTATGGTTTCTTATA-3'